The following is an entry in ClinVar:

NM_001372.4(DNAH9):c.7453T>G (p.Ser2485Ala)

Gene: DNAH9 (dynein axonemal heavy chain 9; plus strand). Cytogenetic location: 17p12.
Variant type: single nucleotide variant.
Coding change: c.7453T>G on transcript NM_001372.4 (MANE Select); coding-DNA position 7453, T replaced by G.
Protein change: p.Ser2485Ala; replaces serine 2485 with alanine.
Molecular consequence: missense variant.
Genome position (GRCh38, 1-based): chr17:11,769,230, T>G. VCF-style: chr17-11769230-T-G. GRCh37 (hg19) VCF-style: chr17-11672547-T-G.
Other names: short protein forms S2485A.
Identifiers: ClinVar variation 1713473 (VCV001713473.5), dbSNP rs1472084028, ClinGen allele CA398190277.

ClinVar aggregate classification (germline): Uncertain significance (1 of 4 stars; one submission).

Submission:

Labcorp Genetics (formerly Invitae), Labcorp
Classification: Uncertain significance. Last evaluated: 2022-07-23. Review status: criteria provided, single submitter. Criteria: Invitae Variant Classification Sherloc (09022015). Collection method: clinical testing. Allele origin: germline.
Comment: In summary, the available evidence is currently insufficient to determine the role of this variant in disease. Therefore, it has been classified as a Variant of Uncertain Significance. Algorithms developed to predict the effect of missense changes on protein structure and function are either unavailable or do not agree on the potential impact of this missense change (SIFT: "Tolerated"; PolyPhen-2: "Possibly Damaging"; Align-GVGD: "Class C0"). This variant has not been reported in the literature in individuals affected with DNAH9-related conditions. This variant is not present in population databases (gnomAD no frequency). This sequence change replaces serine, which is neutral and polar, with alanine, which is neutral and non-polar, at codon 2485 of the DNAH9 protein (p.Ser2485Ala).